The following is an entry in ClinVar:

ClinVar aggregate classification (germline): Likely benign (1 of 4 stars; one submission).

Allele frequency attached by ClinVar (database versions not stated): TOPMed 0.00002; gnomAD 0.00006.
gnomAD v4.1: 13 of 1,289,260 alleles (0.001%); highest among the groups gnomAD compares: Non-Finnish European, 0.0011%; no homozygotes.

Submission:

GeneDx
Classification: Likely benign. Last evaluated: 2016-02-02. Review status: criteria provided, single submitter. Criteria: GeneDx Variant Classification (06012015). Collection method: clinical testing. Allele origin: germline. Affected: yes.
Comment: This variant is considered likely benign or benign based on one or more of the following criteria: it is a conservative change, it occurs at a poorly conserved position in the protein, it is predicted to be benign by multiple in silico algorithms, and/or has population frequency not consistent with disease.

NM_020312.4(COQ9):c.-18G>A

Genes: COQ9 (coenzyme Q9; plus strand), LOC112469007 (Sharpr-MPRA regulatory region 5957; plus strand). Cytogenetic location: 16q21.
Variant type: single nucleotide variant.
Coding change: c.-18G>A on transcript NM_020312.4 (MANE Select); 18 bases upstream of the start codon, G replaced by A.
Molecular consequence: 5 prime UTR variant.
Genome position (GRCh38, 1-based): chr16:57,447,488, G>A. VCF-style: chr16-57447488-G-A. GRCh37 (hg19) VCF-style: chr16-57481400-G-A.
Identifiers: ClinVar variation 382280 (VCV000382280.1), dbSNP rs755781708, ClinGen allele CA16607319.